The following is an entry in ClinVar:

ClinVar aggregate classification (germline): Uncertain significance (1 of 4 stars; one submission).

Submission:

GeneDx
Classification: Uncertain significance. Last evaluated: 2025-06-11. Review status: criteria provided, single submitter. Criteria: GeneDx Variant Classification Process June 2021. Collection method: clinical testing. Allele origin: germline. Affected: yes.
Comment: Not observed at significant frequency in large population cohorts (gnomAD); In silico analysis suggests that this missense variant does not alter protein structure/function; Has not been previously published as pathogenic or benign to our knowledge

NM_001377.3(DYNC2H1):c.2500A>G (p.Ser834Gly)

Gene: DYNC2H1 (dynein cytoplasmic 2 heavy chain 1; plus strand). Cytogenetic location: 11q22.3.
Variant type: single nucleotide variant.
Coding change: c.2500A>G on transcript NM_001377.3 (MANE Select); coding-DNA position 2500, A replaced by G.
Protein change: p.Ser834Gly; replaces serine 834 with glycine.
Molecular consequence: missense variant.
Genome position (GRCh38, 1-based): chr11:103,135,874, A>G. VCF-style: chr11-103135874-A-G. GRCh37 (hg19) VCF-style: chr11-103006603-A-G.
Other names: c.2500A>G, p.Ser834Gly (NM_001080463.2); short protein forms S834G.
Identifiers: ClinVar variation 4537662 (VCV004537662.1).